The following is an entry in ClinVar:

NM_000051.4(ATM):c.4126C>T (p.Pro1376Ser)

Gene: ATM (ATM serine/threonine kinase; plus strand). Cytogenetic location: 11q22.3.
Variant type: single nucleotide variant.
Coding change: c.4126C>T on transcript NM_000051.4 (MANE Select); coding-DNA position 4126, C replaced by T.
Protein change: p.Pro1376Ser; replaces proline 1376 with serine.
Molecular consequence: missense variant.
Genome position (GRCh38, 1-based): chr11:108,288,993, C>T. VCF-style: chr11-108288993-C-T. GRCh37 (hg19) VCF-style: chr11-108159720-C-T.
Other names: c.4126C>T, p.Pro1376Ser (NM_001351834.2); short protein forms P1376S.
Identifiers: ClinVar variation 1738044 (VCV001738044.8), dbSNP rs863224571, ClinGen allele CA382529826.

ClinVar aggregate classification (germline): Uncertain significance. Review status: criteria provided, multiple submitters, no conflicts (2 of 4 stars). 3 submissions from 3 submitters: Uncertain significance (3). Last evaluated 2025-04-22.

Conditions:
Hereditary cancer-predisposing syndrome. Also called: Neoplastic Syndromes, Hereditary; Tumor predisposition; Hereditary Cancer Syndrome; Hereditary neoplastic syndrome. Identifiers: Orphanet 140162, MedGen C0027672, MeSH D009386, MONDO:0015356.
Ataxia-telangiectasia syndrome (AT). Also called: LOUIS-BAR SYNDROME; Cerebello-oculocutaneous telangiectasia; Immunodeficiency with ataxia telangiectasia; Ataxia-telangiectasia, complementation group D; AT, COMPLEMENTATION GROUP C; ATAXIA-TELANGIECTASIA, COMPLEMENTATION GROUP A. Identifiers: Orphanet 100, MedGen C0004135, MONDO:0008840, OMIM 208900.

Submissions (3):

Ambry Genetics
Classification: Uncertain significance for Hereditary cancer-predisposing syndrome. Last evaluated: 2025-04-22. Review status: criteria provided, single submitter. Criteria: Ambry Variant Classification Scheme 2023. Collection method: clinical testing. Allele origin: germline.
Comment: The p.P1376S variant (also known as c.4126C>T), located in coding exon 27 of the ATM gene, results from a C to T substitution at nucleotide position 4126. The proline at codon 1376 is replaced by serine, an amino acid with similar properties. This amino acid position is highly conserved in available vertebrate species. In addition, the in silico prediction for this alteration is inconclusive. Since supporting evidence is limited at this time, the clinical significance of this alteration remains unclear.

Women's Health and Genetics/Laboratory Corporation of America, LabCorp
Classification: Uncertain significance. Last evaluated: 2024-11-25. Review status: criteria provided, single submitter. Criteria: LabCorp Variant Classification Summary - May 2015. Collection method: clinical testing. Allele origin: germline.
Comment: Variant summary: ATM c.4126C>T (p.Pro1376Ser) results in a non-conservative amino acid change in the encoded protein sequence. Four of five in-silico tools predict a damaging effect of the variant on protein function. The variant was absent in 251336 control chromosomes. The available data on variant occurrences in the general population are insufficient to allow any conclusion about variant significance. To our knowledge, no occurrence of c.4126C>T in individuals affected with Ataxia-Telangiectasia and no experimental evidence demonstrating its impact on protein function have been reported. ClinVar contains an entry for this variant (Variation ID: 1738044). Based on the evidence outlined above, the variant was classified as uncertain significance.

Labcorp Genetics (formerly Invitae), Labcorp
Classification: Uncertain significance for Ataxia-telangiectasia syndrome. Last evaluated: 2024-04-05. Review status: criteria provided, single submitter. Criteria: Invitae Variant Classification Sherloc (09022015). Collection method: clinical testing. Allele origin: germline.
Comment: This sequence change replaces proline, which is neutral and non-polar, with serine, which is neutral and polar, at codon 1376 of the ATM protein (p.Pro1376Ser). This variant is not present in population databases (gnomAD no frequency). This missense change has been observed in individual(s) with chronic lymphocytic leukaemia (PMID: 36029002). ClinVar contains an entry for this variant (Variation ID: 1738044). An algorithm developed to predict the effect of missense changes on protein structure and function (PolyPhen-2) suggests that this variant is likely to be disruptive. In summary, the available evidence is currently insufficient to determine the role of this variant in disease. Therefore, it has been classified as a Variant of Uncertain Significance.

Literature cited by the submitters: PubMed 36029002 (cited by Labcorp Genetics (formerly Invitae), Labcorp).